The following is an entry in ClinVar:

NM_000400.4(ERCC2):c.1606G>C (p.Val536Leu)

Gene: ERCC2 (ERCC excision repair 2, TFIIH core complex helicase subunit; minus strand). Cytogenetic location: 19q13.32.
Variant type: single nucleotide variant.
Coding change: c.1606G>C on transcript NM_000400.4 (MANE Select); coding-DNA position 1606, G replaced by C.
Protein change: p.Val536Leu; replaces valine 536 with leucine.
Molecular consequence: missense variant.
Genome position (GRCh38, 1-based): chr19:45,354,789, C>G on the plus strand (G>C on the coding strand, the complement: ERCC2 is on the minus strand). VCF-style: chr19-45354789-C-G. GRCh37 (hg19) VCF-style: chr19-45858047-C-G.
Other names: short protein forms V536L.
Identifiers: ClinVar variation 1776297 (VCV001776297.2), dbSNP rs142568756, ClinGen allele CA406365385.

ClinVar aggregate classification (germline): Uncertain significance (1 of 4 stars; one submission).

Conditions:
Inborn genetic diseases. Identifiers: MedGen C0950123, MeSH D030342.

gnomAD v4.1: 1 of 1,614,058 alleles (0.000062%); highest among the groups gnomAD compares: Non-Finnish European, 0.000085%; no homozygotes.

Submission:

Ambry Genetics
Classification: Uncertain significance for Inborn genetic diseases. Last evaluated: 2022-02-01. Review status: criteria provided, single submitter. Criteria: Ambry Variant Classification Scheme 2023. Collection method: clinical testing. Allele origin: germline.
Comment: The p.V536L variant (also known as c.1606G>C), located in coding exon 17 of the ERCC2 gene, results from a G to C substitution at nucleotide position 1606. The valine at codon 536 is replaced by leucine, an amino acid with highly similar properties. This amino acid position is conserved. In addition, the in silico prediction for this alteration is inconclusive. Since supporting evidence is limited at this time, the clinical significance of this alteration remains unclear.